The following is an entry in ClinVar:

NM_003803.4(MYOM1):c.3944C>G (p.Thr1315Arg)

Gene: MYOM1 (myomesin 1; minus strand). Cytogenetic location: 18p11.31.
Variant type: single nucleotide variant.
Coding change: c.3944C>G on transcript NM_003803.4 (MANE Select); coding-DNA position 3944, C replaced by G.
Protein change: p.Thr1315Arg; replaces threonine 1315 with arginine.
Molecular consequence: missense variant.
Genome position (GRCh38, 1-based): chr18:3,090,723, G>C on the plus strand (C>G on the coding strand, the complement: MYOM1 is on the minus strand). VCF-style: chr18-3090723-G-C. GRCh37 (hg19) VCF-style: chr18-3090721-G-C.
Other names: c.3656C>G, p.Thr1219Arg (NM_019856.2); short protein forms T1315R, T1219R.
Identifiers: ClinVar variation 955114 (VCV000955114.12), dbSNP rs748195985, ClinGen allele CA8874117.
Genomic context (GRCh38, chr18:3,090,723, plus strand): 5'-CCAACGAGAACAACAGTAGAATGGTTAGTTGCTTTTCCATCTTGAAGCTGGAAAGTGTAC[G>C]TTCCCTCATCCTCATCCTGTAGCTTTTCCATGAACATTTCGATGATGCCAGTGTTTCGGT-3'
Protein context (NP_003794.3, residues 1305-1325): MEKLQDEDEG[Thr1315Arg]YTFQLQDGKA

ClinVar aggregate classification (germline): Uncertain significance. Review status: criteria provided, multiple submitters, no conflicts (2 of 4 stars). 2 submissions from 2 submitters: Uncertain significance (2). Last evaluated 2025-12-17.

Conditions:
Hypertrophic cardiomyopathy. Also called: HYPERTROPHIC MYOCARDIOPATHY. Identifiers: Orphanet 217569, MedGen C0007194, MeSH D002312, MONDO:0005045, HP:0001639.

Allele frequency attached by ClinVar (database versions not stated): TOPMed 0.00002.
gnomAD v4.1: 25 of 1,613,842 alleles (0.0015%); highest among the groups gnomAD compares: Middle Eastern, 0.016%; no homozygotes.

Submissions (2):

Labcorp Genetics (formerly Invitae), Labcorp
Classification: Uncertain significance for Hypertrophic cardiomyopathy. Last evaluated: 2025-12-17. Review status: criteria provided, single submitter. Criteria: Invitae Variant Classification Sherloc (09022015). Collection method: clinical testing. Allele origin: germline.
Comment: This sequence change replaces threonine, which is neutral and polar, with arginine, which is basic and polar, at codon 1315 of the MYOM1 protein (p.Thr1315Arg). The frequency data for this variant in the population databases is considered unreliable, as metrics indicate poor data quality at this position in the gnomAD database. This variant has not been reported in the literature in individuals affected with MYOM1-related conditions. ClinVar contains an entry for this variant (Variation ID: 955114). Invitae Evidence Modeling of protein sequence and biophysical properties (such as structural, functional, and spatial information, amino acid conservation, physicochemical variation, residue mobility, and thermodynamic stability) indicates that this missense variant is expected to disrupt MYOM1 protein function with a positive predictive value of 80%. In summary, the available evidence is currently insufficient to determine the role of this variant in disease. Therefore, it has been classified as a Variant of Uncertain Significance.

Ambry Genetics
Classification: Uncertain significance. Last evaluated: 2025-01-06. Review status: criteria provided, single submitter. Criteria: Ambry Variant Classification Scheme 2023. Collection method: clinical testing. Allele origin: germline.
Comment: The p.T1315R variant (also known as c.3944C>G), located in coding exon 26 of the MYOM1 gene, results from a C to G substitution at nucleotide position 3944. The threonine at codon 1315 is replaced by arginine, an amino acid with similar properties. This amino acid position is conserved. In addition, the in silico prediction for this alteration is inconclusive. Since supporting evidence is limited at this time, the clinical significance of this alteration remains unclear.